The following is an entry in ClinVar:

NM_022552.5(DNMT3A):c.429A>T (p.Arg143=)

Gene: DNMT3A (DNA methyltransferase 3 alpha; minus strand). Cytogenetic location: 2p23.3.
Variant type: single nucleotide variant.
Coding change: c.429A>T on transcript NM_022552.5 (MANE Select); coding-DNA position 429, A replaced by T.
Protein change: p.Arg143=; no amino-acid change (arginine 143 retained).
Molecular consequence: synonymous variant. On other transcripts: non-coding transcript variant (1).
Genome position (GRCh38, 1-based): chr2:25,282,460, T>A on the plus strand (A>T on the coding strand, the complement: DNMT3A is on the minus strand). VCF-style: chr2-25282460-T-A. GRCh37 (hg19) VCF-style: chr2-25505329-T-A.
Other names: c.429A>T, p.Arg143= (NM_001320892.2, NM_175629.2, NM_175630.1).
Identifiers: ClinVar variation 3058186 (VCV003058186.2), dbSNP rs767155995, ClinGen allele CA1556482.

ClinVar aggregate classification (germline): Likely benign (0 of 4 stars; one submission).

Conditions:
DNMT3A-related disorder. Also called: DNMT3A-related disorders; DNMT3A-related condition.

Allele frequency attached by ClinVar (database versions not stated): TOPMed below 0.00001; ExAC 0.00001; gnomAD 0.00001; gnomAD exomes 0.00001.
gnomAD v4.1: 6 of 1,612,760 alleles (0.00037%); highest among the groups gnomAD compares: Non-Finnish European, 0.00051%; no homozygotes.

Submission:

PreventionGenetics, part of Exact Sciences
Classification: Likely benign for DNMT3A-related condition. Last evaluated: 2022-10-25. Review status: no assertion criteria provided. Collection method: clinical testing. Allele origin: germline.
Comment: This variant is classified as likely benign based on ACMG/AMP sequence variant interpretation guidelines (Richards et al. 2015 PMID: 25741868, with internal and published modifications).